The following is an entry in ClinVar:

NM_006231.4(POLE):c.3677_3678del (p.Pro1226fs)

Gene: POLE (DNA polymerase epsilon, catalytic subunit; minus strand). Cytogenetic location: 12q24.33.
Variant type: Deletion.
Coding change: c.3677_3678del on transcript NM_006231.4 (MANE Select); coding-DNA positions 3677 to 3678, 2 bases deleted (CT; older notation c.3677_3678delCT).
Protein change: p.Pro1226fs; shifts the reading frame from proline 1226.
Molecular consequence: frameshift variant.
Genome position (GRCh38, 1-based): chr12:132,649,794-132,649,795, AG deleted on the plus strand (CT on the coding strand, the reverse complement: POLE is on the minus strand). VCF-style (leftmost placement, unchanged base first): chr12-132649793-CAG-C. GRCh37 (hg19) VCF-style: chr12-133226379-CAG-C.
Other names: c.3677_3678delCT (NM_006231.3); short protein forms P1226fs.
Identifiers: ClinVar variation 540691 (VCV000540691.19), dbSNP rs765645032, ClinGen allele CA6893140.
Genomic context (GRCh38, chr12:132,649,793, plus strand): 5'-GCGTGAGGTCCTGGGACTCCTCCTGGCTCTCCCAAAGAACTCGCTTCCTCTTCACAGTGA[CAG>C]GGGCTGCTGGGTGAGGCAGCTTTACGAGGCCGAAGTCCTCCATGTCAGGAGCACTTGGCC-3'

ClinVar aggregate classification (germline): Conflicting classifications of pathogenicity. Review status: criteria provided, conflicting classifications (1 of 4 stars). 4 submissions from 4 submitters: Pathogenic (1); Likely pathogenic (2); Uncertain significance (1). Last evaluated 2025-11-09.

Conditions:
Colorectal cancer, susceptibility to, 12 (CRCS12). Also called: COLORECTAL CANCER, SUSCEPTIBILITY TO, ON CHROMOSOME 12q24. Identifiers: Orphanet 220460, MedGen C3554460, MONDO:0014038, OMIM 615083.
Hereditary cancer-predisposing syndrome. Also called: Neoplastic Syndromes, Hereditary; Hereditary Cancer Syndrome; Hereditary neoplastic syndrome; Tumor predisposition. Identifiers: Orphanet 140162, MedGen C0027672, MeSH D009386, MONDO:0015356.

Allele frequency attached by ClinVar (database versions not stated): gnomAD 0.00001; gnomAD exomes 0.00001; ExAC 0.00002.

Submissions (4):

Labcorp Genetics (formerly Invitae), Labcorp
Classification: Pathogenic. Last evaluated: 2025-11-09. Review status: criteria provided, single submitter. Criteria: Invitae Variant Classification Sherloc (09022015). Collection method: clinical testing. Allele origin: germline.
Comment: This sequence change creates a premature translational stop signal (p.Pro1226Argfs*128) in the POLE gene. It is expected to result in an absent or disrupted protein product. Loss-of-function variants in POLE are known to be pathogenic (PMID: 23230001, 25948378, 30503519). This variant is present in population databases (rs765645032, gnomAD 0.009%). This variant has not been reported in the literature in individuals affected with POLE-related conditions. ClinVar contains an entry for this variant (Variation ID: 540691). For these reasons, this variant has been classified as Pathogenic.

EVOGEN
Classification: Likely pathogenic for Colorectal cancer, susceptibility to, 12. Last evaluated: 2025-06-02. Review status: criteria provided, single submitter. Criteria: ACMG Guidelines, 2015. Collection method: clinical testing. Allele origin: germline. Affected: no.
Comment: Ductal cancer. PVS1: Null variant in a gene where loss of function is a known mechanism of disease Loss of function is a known mechanism of disease: 537 pathogenic null variants were reported in ClinVar for this gene PM2: Extremely low frequency in gnomAD population databases

Ambry Genetics
Classification: Uncertain significance for Hereditary cancer-predisposing syndrome. Last evaluated: 2025-01-20. Review status: criteria provided, single submitter. Criteria: Ambry Variant Classification Scheme 2023. Collection method: clinical testing. Allele origin: germline.
Comment: The c.3677_3678delCT variant, located in coding exon 30 of the POLE gene, results from a deletion of two nucleotides at nucleotide positions 3677 to 3678, causing a translational frameshift with a predicted alternate stop codon (p.P1226Rfs*128). This alteration is expected to result in loss of function by premature protein truncation or nonsense-mediated mRNA decay. Loss-of-function variants subject to nonsense mediated decay (NMD) in POLE are known to cause POLE-deficiency; however, such associations with POLE-related polymerase proofreading-associated polyposis (PPAP) have not been reported. Based on the supporting evidence, this alteration is pathogenic for POLE-deficiency; however, the association of this alteration with POLE-related polymerase proofreading-associated polyposis (PPAP) is unknown.

GeneDx
Classification: Likely pathogenic. Last evaluated: 2020-03-30. Review status: criteria provided, single submitter. Criteria: GeneDx Variant Classification Process June 2021. Collection method: clinical testing. Allele origin: germline. Affected: yes.
Comment: Frameshift variant predicted to result in a null allele, which is not likely associated with an increased cancer risk, in contrast to missense variants that negatively impact POLE proofreading while maintaining polymerase enzyme activity, which are associated with an increased risk for colon cancer and polyps (Palles 2013, Spier 2015); Not observed at a significant frequency in large population cohorts (Lek 2016); Has not been previously published as pathogenic or benign to our knowledge

Literature cited by the submitters: PubMed 23230001 (cited by Labcorp Genetics (formerly Invitae), Labcorp); PubMed 25948378 (cited by Labcorp Genetics (formerly Invitae), Labcorp); PubMed 30503519 (cited by Labcorp Genetics (formerly Invitae), Labcorp).